The following is an entry in ClinVar:

ClinVar aggregate classification (germline): Benign. Review status: criteria provided, multiple submitters, no conflicts (2 of 4 stars). 2 submissions from 2 submitters: Benign (2). Last evaluated 2016-03-29.

Allele frequency attached by ClinVar (database versions not stated): 1000 Genomes Project 30x 0.63054; 1000 Genomes Project 0.63159; TOPMed 0.65622; gnomAD 0.66764 and 0.66798; ESP Exome Variant Server 0.66842; gnomAD exomes 0.67676 and 0.68253; ExAC 0.71653.
gnomAD v4.1: 1,025,400 of 1,516,742 alleles (68%); highest among the groups gnomAD compares: South Asian, 76%; 348,272 homozygotes.

Submissions (2):

Laboratory for Molecular Medicine, Mass General Brigham Personalized Medicine
Classification: Benign. Last evaluated: 2016-03-29. Review status: criteria provided, single submitter. Criteria: LMM Criteria. Collection method: clinical testing. Allele origin: germline.
Comment: Variant identified in a genome or exome case(s) and assessed due to predicted null impact of the variant or pathogenic assertions in the literature or databases. Disclaimer: This variant has not undergone full assessment. The following are preliminary notes: Frequency

Breakthrough Genomics
Classification: Benign. Review status: criteria provided, single submitter. Criteria: ACMG Guidelines, 2015. Collection method: not provided. Allele origin: germline. Inheritance: Unknown mechanism. Affected: yes.

NM_001366028.2(DNAH12):c.1912-8A>G

Gene: DNAH12 (dynein axonemal heavy chain 12; minus strand). Cytogenetic location: 3p14.3.
Variant type: single nucleotide variant.
Coding change: c.1912-8A>G on transcript NM_001366028.2 (MANE Select); 8 bases into the intron before coding-DNA position 1912, A replaced by G.
Molecular consequence: intron variant.
Genome position (GRCh38, 1-based): chr3:57,470,644, T>C on the plus strand (A>G on the coding strand, the complement: DNAH12 is on the minus strand). VCF-style: chr3-57470644-T-C. GRCh37 (hg19) VCF-style: chr3-57456371-T-C.
Identifiers: ClinVar variation 402640 (VCV000402640.5), dbSNP rs9871422, ClinGen allele CA2465192.
Genomic context (GRCh38, chr3:57,470,644, plus strand): 5'-GCTTCTTCAGATTCCTGAATACGTTTTTGTAGTTGTCTTACATCTGTCACATACTGAAAG[T>C]AAATAAGTTTTTTGTCTTAAAAAAAATTCAAGTAATGTTATAAAAATAAAATCCTATGAT-3'